The following is an entry in ClinVar:

ClinVar aggregate classification (germline): Uncertain significance (1 of 4 stars; one submission).

gnomAD v4.1: 1 of 1,613,612 alleles (0.000062%); highest among the groups gnomAD compares: Admixed American, 0.0017%; no homozygotes.

Submission:

Ambry Genetics
Classification: Uncertain significance. Last evaluated: 2024-03-16. Review status: criteria provided, single submitter. Criteria: Ambry Variant Classification Scheme 2023. Collection method: clinical testing. Allele origin: germline.
Comment: The p.G2355A variant (also known as c.7064G>C), located in coding exon 25 of the POLQ gene, results from a G to C substitution at nucleotide position 7064. The glycine at codon 2355 is replaced by alanine, an amino acid with similar properties. This amino acid position is conserved. In addition, this alteration is predicted to be deleterious by in silico analysis. Based on the available evidence, the clinical significance of this alteration remains unclear.

NM_199420.4(POLQ):c.7064G>C (p.Gly2355Ala)

Gene: POLQ (DNA polymerase theta; minus strand). Cytogenetic location: 3q13.33.
Variant type: single nucleotide variant.
Coding change: c.7064G>C on transcript NM_199420.4 (MANE Select); coding-DNA position 7064, G replaced by C.
Protein change: p.Gly2355Ala; replaces glycine 2355 with alanine.
Molecular consequence: missense variant.
Genome position (GRCh38, 1-based): chr3:121,460,138, C>G on the plus strand (G>C on the coding strand, the complement: POLQ is on the minus strand). VCF-style: chr3-121460138-C-G. GRCh37 (hg19) VCF-style: chr3-121178985-C-G.
Other names: short protein forms G2355A.
Identifiers: ClinVar variation 3308583 (VCV003308583.1).
Genomic context (GRCh38, chr3:121,460,138, plus strand): 5'-CCAACAGACTCTGGCTCAATCATCTTCCACTCTGCTGCAATGCTCCTGAAAACATCAGCT[C>G]CAGTGTTTAACACTTGAATGAGACGACGATCATGGGATAAATGAGCCAAGATCCTCAGTT-3'
Protein context (NP_955452.3, residues 2345-2365): DRRLIQVLNT[Gly2355Ala]ADVFRSIAAE